The following is an entry in ClinVar:

ClinVar aggregate classification (germline): Uncertain significance (1 of 4 stars; one submission).

Conditions:
Multiple endocrine neoplasia type 4. Also called: MULTIPLE ENDOCRINE NEOPLASIA, TYPE IV. Identifiers: Orphanet 276152, MedGen C1970712, MONDO:0012552, OMIM 610755.

Submission:

Labcorp Genetics (formerly Invitae), Labcorp
Classification: Uncertain significance for Multiple endocrine neoplasia type 4. Last evaluated: 2021-06-10. Review status: criteria provided, single submitter. Criteria: Invitae Variant Classification Sherloc (09022015). Collection method: clinical testing. Allele origin: germline.
Comment: Algorithms developed to predict the effect of missense changes on protein structure and function are either unavailable or do not agree on the potential impact of this missense change (SIFT: "Deleterious"; PolyPhen-2: "Benign"; Align-GVGD: "Class C35"). In summary, the available evidence is currently insufficient to determine the role of this variant in disease. Therefore, it has been classified as a Variant of Uncertain Significance. This variant has not been reported in the literature in individuals with CDKN1B-related conditions. This variant is not present in population databases (ExAC no frequency). This sequence change replaces glutamic acid with aspartic acid at codon 71 of the CDKN1B protein (p.Glu71Asp). The glutamic acid residue is highly conserved and there is a small physicochemical difference between glutamic acid and aspartic acid.

NM_004064.5(CDKN1B):c.213G>C (p.Glu71Asp)

Gene: CDKN1B (cyclin dependent kinase inhibitor 1B; plus strand). Cytogenetic location: 12p13.1.
Variant type: single nucleotide variant.
Coding change: c.213G>C on transcript NM_004064.5 (MANE Select); coding-DNA position 213, G replaced by C.
Protein change: p.Glu71Asp; replaces glutamic acid 71 with aspartic acid.
Molecular consequence: missense variant.
Genome position (GRCh38, 1-based): chr12:12,718,052, G>C. VCF-style: chr12-12718052-G-C. GRCh37 (hg19) VCF-style: chr12-12870986-G-C.
Other names: short protein forms E71D.
Identifiers: ClinVar variation 1497765 (VCV001497765.8), dbSNP rs1592280924, ClinGen allele CA383969541.